The following is an entry in ClinVar:

NM_001561.6(TNFRSF9):c.13T>G (p.Cys5Gly)

Gene: TNFRSF9 (TNF receptor superfamily member 9; minus strand). Cytogenetic location: 1p36.23.
Variant type: single nucleotide variant.
Coding change: c.13T>G on transcript NM_001561.6 (MANE Select); coding-DNA position 13, T replaced by G.
Protein change: p.Cys5Gly; replaces cysteine 5 with glycine.
Molecular consequence: missense variant.
Genome position (GRCh38, 1-based): chr1:7,939,982, A>C on the plus strand (T>G on the coding strand, the complement: TNFRSF9 is on the minus strand). VCF-style: chr1-7939982-A-C. GRCh37 (hg19) VCF-style: chr1-8000042-A-C.
Other names: short protein forms C5G.
Identifiers: ClinVar variation 1475918 (VCV001475918.6), dbSNP rs556537043, ClinGen allele CA569378.

ClinVar aggregate classification (germline): Uncertain significance. Review status: criteria provided, multiple submitters, no conflicts (2 of 4 stars). 2 submissions from 2 submitters: Uncertain significance (2). Last evaluated 2024-04-15.

Conditions:
Immunodeficiency 109 with lymphoproliferation (IMD109). Identifiers: Orphanet 664726, MedGen C5830346, MONDO:0859526, OMIM 620282.

Allele frequency attached by ClinVar (database versions not stated): gnomAD exomes below 0.00001 and 0.00004; gnomAD 0.00001 and 0.00003; TOPMed 0.00002; ExAC 0.00003; 1000 Genomes Project 30x 0.00016; 1000 Genomes Project 0.00020.
gnomAD v4.1: 11 of 1,593,278 alleles (0.00069%); highest among the groups gnomAD compares: East Asian, 0.023%; no homozygotes.

Submissions (2):

Fulgent Genetics
Classification: Uncertain significance for Immunodeficiency 109 with lymphoproliferation. Last evaluated: 2024-04-15. Review status: criteria provided, single submitter. Criteria: ACMG Guidelines, 2015. Collection method: clinical testing. Allele origin: germline.

Labcorp Genetics (formerly Invitae), Labcorp
Classification: Uncertain significance. Last evaluated: 2022-09-01. Review status: criteria provided, single submitter. Criteria: Invitae Variant Classification Sherloc (09022015). Collection method: clinical testing. Allele origin: germline.
Comment: This sequence change replaces cysteine, which is neutral and slightly polar, with glycine, which is neutral and non-polar, at codon 5 of the TNFRSF9 protein (p.Cys5Gly). This variant is present in population databases (rs556537043, gnomAD 0.04%). This variant has not been reported in the literature in individuals affected with TNFRSF9-related conditions. ClinVar contains an entry for this variant (Variation ID: 1475918). Algorithms developed to predict the effect of missense changes on protein structure and function are either unavailable or do not agree on the potential impact of this missense change (SIFT: "Tolerated"; PolyPhen-2: "Possibly Damaging"; Align-GVGD: "Class C0"). In summary, the available evidence is currently insufficient to determine the role of this variant in disease. Therefore, it has been classified as a Variant of Uncertain Significance.